The following is an entry in ClinVar:

NM_144563.3(RPIA):c.935G>A (p.Ter312=)

Gene: RPIA (ribose 5-phosphate isomerase A; plus strand). Cytogenetic location: 2p11.2.
Variant type: single nucleotide variant.
Coding change: c.935G>A on transcript NM_144563.3 (MANE Select); coding-DNA position 935, G replaced by A.
Protein change: p.Ter312=.
Molecular consequence: synonymous variant.
Genome position (GRCh38, 1-based): chr2:88,750,077, G>A. VCF-style: chr2-88750077-G-A. GRCh37 (hg19) VCF-style: chr2-89049594-G-A.
Other names: c.935G>A (NM_144563.2).
Identifiers: ClinVar variation 2725026 (VCV002725026.5), dbSNP rs761383830, ClinGen allele CA1755358.
Genomic context (GRCh38, chr2:88,750,077, plus strand): 5'-AGAGAGTCTACTTTGGGATGCAGGATGGCTCAGTGAACATGAGGGAGAAGCCTTTCTGTT[G>A]ACCCTGCAAGGAGCAGAGTGTGTTCACCTTGAGTCTCCAGCCCACAGCCAAGGTGGACGT-3'

ClinVar aggregate classification (germline): Likely benign. Review status: criteria provided, single submitter (1 of 4 stars). 2 submissions from 2 submitters: Likely benign (1). 1 of the submissions does not count toward it. Last evaluated 2024-04-29.

Conditions:
RPIA-related disorder. Also called: RPIA-related condition.

Allele frequency attached by ClinVar (database versions not stated): ExAC 0.00002; gnomAD 0.00003; gnomAD exomes 0.00005; TOPMed 0.00006.
gnomAD v4.1: 83 of 1,606,498 alleles (0.0052%); highest among the groups gnomAD compares: Non-Finnish European, 0.0066%; no homozygotes.

Submissions (2):

Labcorp Genetics (formerly Invitae), Labcorp
Classification: Likely benign. Last evaluated: 2024-04-29. Review status: criteria provided, single submitter. Criteria: Invitae Variant Classification Sherloc (09022015). Collection method: clinical testing. Allele origin: germline.

PreventionGenetics, part of Exact Sciences
Classification: Likely benign for RPIA-related condition. Last evaluated: 2019-08-22. Review status: no assertion criteria provided. Collection method: clinical testing. Allele origin: germline. Not counted in ClinVar's aggregate classification.
Comment: This variant is classified as likely benign based on ACMG/AMP sequence variant interpretation guidelines (Richards et al. 2015 PMID: 25741868, with internal and published modifications).